The following is an entry in ClinVar:

NM_024592.5(SRD5A3):c.920C>T (p.Pro307Leu)

Genes: SRD5A3 (steroid 5 alpha-reductase 3; plus strand), SRD5A3-AS1 (SRD5A3 antisense RNA 1; minus strand). Cytogenetic location: 4q12.
Variant type: single nucleotide variant.
Coding change: c.920C>T on transcript NM_024592.5 (MANE Select); coding-DNA position 920, C replaced by T.
Protein change: p.Pro307Leu; replaces proline 307 with leucine.
Molecular consequence: missense variant.
Genome position (GRCh38, 1-based): chr4:55,370,054, C>T. VCF-style: chr4-55370054-C-T. GRCh37 (hg19) VCF-style: chr4-56236221-C-T.
Other names: short protein forms P307L.
Identifiers: ClinVar variation 1504951 (VCV001504951.8), dbSNP rs769885824, ClinGen allele CA356958509.

ClinVar aggregate classification (germline): Uncertain significance (1 of 4 stars; one submission).

Conditions:
SRD5A3-congenital disorder of glycosylation. Also called: CDG Iq; SRD5A3-CDG; COLOBOMA, OCULAR, WITH ICHTHYOSIS, BRAIN MALFORMATIONS, AND ENDOCRINE ABNORMALITIES; Ocular colobomas, ichthyosis, brain malformations and endocrine abnormalities; Congenital disorder of glycosylation type 1Q. Identifiers: Orphanet 324737, MedGen C4317224, MONDO:0012885, OMIM 612379.

Submission:

Labcorp Genetics (formerly Invitae), Labcorp
Classification: Uncertain significance for SRD5A3-congenital disorder of glycosylation. Last evaluated: 2020-12-30. Review status: criteria provided, single submitter. Criteria: Invitae Variant Classification Sherloc (09022015). Collection method: clinical testing. Allele origin: germline.
Comment: This variant has not been reported in the literature in individuals with SRD5A3-related conditions. In summary, the available evidence is currently insufficient to determine the role of this variant in disease. Therefore, it has been classified as a Variant of Uncertain Significance. Algorithms developed to predict the effect of missense changes on protein structure and function are either unavailable or do not agree on the potential impact of this missense change (SIFT: "Deleterious"; PolyPhen-2: "Probably Damaging"; Align-GVGD: "Class C0"). This variant is not present in population databases (ExAC no frequency). This sequence change replaces proline with leucine at codon 307 of the SRD5A3 protein (p.Pro307Leu). The proline residue is highly conserved and there is a moderate physicochemical difference between proline and leucine.